The following is an entry in ClinVar:

ClinVar aggregate classification (germline): Likely benign (0 of 4 stars; one submission).

Conditions:
MBD4-related disorder. Also called: MBD4-related condition.

Submission:

PreventionGenetics, part of Exact Sciences
Classification: Likely benign for MBD4-related condition. Last evaluated: 2022-12-30. Review status: no assertion criteria provided. Collection method: clinical testing. Allele origin: germline.
Comment: This variant is classified as likely benign based on ACMG/AMP sequence variant interpretation guidelines (Richards et al. 2015 PMID: 25741868, with internal and published modifications).

NM_001276270.2(MBD4):c.1647+60C>T

Gene: MBD4 (methyl-CpG binding domain 4, DNA glycosylase; minus strand). Cytogenetic location: 3q21.3.
Variant type: single nucleotide variant.
Coding change: c.1647+60C>T on transcript NM_001276270.2 (MANE Select); 60 bases into the intron after coding-DNA position 1647, C replaced by T.
Molecular consequence: intron variant. On other transcripts: 3 prime UTR variant (1).
Genome position (GRCh38, 1-based): chr3:129,432,443, G>A on the plus strand (C>T on the coding strand, the complement: MBD4 is on the minus strand). VCF-style: chr3-129432443-G-A. GRCh37 (hg19) VCF-style: chr3-129151286-G-A.
Other names: c.*6C>T (NM_001276271.2); c.711+60C>T (NM_001276273.2); c.1612+113C>T (NM_001276272.2); c.1665+60C>T (NM_003925.3).
Identifiers: ClinVar variation 3053265 (VCV003053265.2), dbSNP rs2072364498, ClinGen allele CA1401174931.